The following is an entry in ClinVar:

NM_007294.4(BRCA1):c.1717T>C (p.Ser573Pro)

Gene: BRCA1 (BRCA1 DNA repair associated; minus strand). Cytogenetic location: 17q21.31.
Variant type: single nucleotide variant.
Coding change: c.1717T>C on transcript NM_007294.4 (MANE Select); coding-DNA position 1717, T replaced by C.
Protein change: p.Ser573Pro; replaces serine 573 with proline.
Molecular consequence: missense variant. On other transcripts: intron variant (137).
Genome position (GRCh38, 1-based): chr17:43,093,814, A>G on the plus strand (T>C on the coding strand, the complement: BRCA1 is on the minus strand). VCF-style: chr17-43093814-A-G. GRCh37 (hg19) VCF-style: chr17-41245831-A-G.
Other names: c.1504T>C, p.Ser502Pro (NM_001407571.1, NM_001407853.1, NM_001407894.1 and 9 more transcripts); c.1717T>C, p.Ser573Pro (NM_001407581.1, NM_001407582.1, NM_001407583.1 and 30 more transcripts); c.1714T>C, p.Ser572Pro (NM_001407587.1, NM_001407590.1, NM_001407591.1 and 22 more transcripts); c.1708T>C, p.Ser570Pro (NM_001407646.1, NM_001407647.1); c.1594T>C, p.Ser532Pro (NM_001407648.1, NM_001407664.1, NM_001407665.1 and 19 more transcripts); c.1591T>C, p.Ser531Pro (NM_001407649.1, NM_001407670.1, NM_001407671.1 and 11 more transcripts); c.1639T>C, p.Ser547Pro (NM_001407653.1, NM_001407654.1, NM_001407655.1 and 4 more transcripts); c.1636T>C, p.Ser546Pro (NM_001407659.1, NM_001407660.1, NM_001407661.1 and 1 more transcripts); and 40 more; short protein forms S573P, S526P, S277P, S446P, S532P, S570P, S484P, S485P.
Identifiers: ClinVar variation 233500 (VCV000233500.14), dbSNP rs876660448, ClinGen allele CA10580655.

ClinVar aggregate classification (germline): Conflicting classifications of pathogenicity. Review status: criteria provided, conflicting classifications (1 of 4 stars). 4 submissions from 4 submitters: Uncertain significance (3); Likely benign (1). Last evaluated 2026-01-05.

Conditions:
Hereditary breast ovarian cancer syndrome. Also called: Hereditary breast and ovarian cancer syndrome; BRCA1- and BRCA2-Associated Hereditary Breast and Ovarian Cancer; Breast and ovarian cancer; Hereditary breast and/or ovarian cancer syndrome; Hereditary breast and ovarian cancer; Hereditary breast and ovarian cancer syndrome (HBOC). Identifiers: Orphanet 145, MedGen C0677776, MeSH D061325, MONDO:0003582. Disease mechanism: loss of function.
Hereditary cancer-predisposing syndrome. Also called: Neoplastic Syndromes, Hereditary; Tumor predisposition; Hereditary Cancer Syndrome; Hereditary neoplastic syndrome. Identifiers: Orphanet 140162, MedGen C0027672, MeSH D009386, MONDO:0015356.

Allele frequency attached by ClinVar (database versions not stated): gnomAD exomes 0.00001.
gnomAD v4.1: 8 of 1,613,376 alleles (0.0005%); highest among the groups gnomAD compares: Non-Finnish European, 0.00068%; no homozygotes.

Submissions (4):

Labcorp Genetics (formerly Invitae), Labcorp
Classification: Uncertain significance for Hereditary breast ovarian cancer syndrome. Last evaluated: 2026-01-05. Review status: criteria provided, single submitter. Criteria: Invitae Variant Classification Sherloc (09022015). Collection method: clinical testing. Allele origin: germline.
Comment: This sequence change replaces serine, which is neutral and polar, with proline, which is neutral and non-polar, at codon 573 of the BRCA1 protein (p.Ser573Pro). This variant is not present in population databases (gnomAD no frequency). This variant has not been reported in the literature in individuals affected with BRCA1-related conditions. ClinVar contains an entry for this variant (Variation ID: 233500). Invitae Evidence Modeling of protein sequence and biophysical properties (such as structural, functional, and spatial information, amino acid conservation, physicochemical variation, residue mobility, and thermodynamic stability) indicates that this missense variant is expected to disrupt BRCA1 protein function with a positive predictive value of 80%. In summary, the available evidence is currently insufficient to determine the role of this variant in disease. Therefore, it has been classified as a Variant of Uncertain Significance.

University of Washington Department of Laboratory Medicine, University of Washington
Classification: Likely benign for Hereditary cancer-predisposing syndrome. Last evaluated: 2023-03-23. Review status: criteria provided, single submitter. Criteria: Dines et al. (Genet Med. 2020). Collection method: curation. Allele origin: germline.
Comment: Missense variant in a coldspot region where missense variants are very unlikely to be pathogenic (PMID:31911673).

BRCA1 coldspot (exon 11 using historical exon numbering). Reclassification based on statistical prior probability

Ambry Genetics
Classification: Uncertain significance for Hereditary cancer-predisposing syndrome. Last evaluated: 2022-03-11. Review status: criteria provided, single submitter. Criteria: Ambry Variant Classification Scheme 2023. Collection method: clinical testing. Allele origin: germline.
Comment: The p.S573P variant (also known as c.1717T>C), located in coding exon 9 of the BRCA1 gene, results from a T to C substitution at nucleotide position 1717. The serine at codon 573 is replaced by proline, an amino acid with similar properties. This amino acid position is well conserved in available vertebrate species. In addition, this alteration is predicted to be deleterious by in silico analysis. Since supporting evidence is limited at this time, the clinical significance of this alteration remains unclear.

Women's Health and Genetics/Laboratory Corporation of America, LabCorp
Classification: Uncertain significance. Last evaluated: 2017-07-27. Review status: criteria provided, single submitter. Criteria: LabCorp Variant Classification Summary - May 2015. Collection method: clinical testing. Allele origin: germline.
Comment: Variant summary: The BRCA1 c.1717T>C (p.Ser573Pro) variant involves the alteration of a non-conserved nucleotide that is not located in a known functional domain (InterPro). 3/5 in silico tools predict a benign outcome for this variant. This variant is absent in 121116 control chromosomes tested (ExAC). One clinical diagnostic laboratory has classified this variant as one of uncertain significance in ClinVar. The variant was also reported in one HBOC patient in the UMD database and co-occurred with a likely pathogenic BRCA2 variant (c.8364G>A; p.Trp2788X), suggesting a benign impact for the variant of interest. To our knowledge, the variant of interest has not been reported in affected individuals via publications, nor has it been evaluated for functional impact by in vivo/vitro studies. Taken together, this variant is classified as VUS.